The following is an entry in ClinVar:

NM_000400.4(ERCC2):c.2084G>T (p.Arg695Leu)

Gene: ERCC2 (ERCC excision repair 2, TFIIH core complex helicase subunit; minus strand). Cytogenetic location: 19q13.32.
Variant type: single nucleotide variant.
Coding change: c.2084G>T on transcript NM_000400.4 (MANE Select); coding-DNA position 2084, G replaced by T.
Protein change: p.Arg695Leu; replaces arginine 695 with leucine.
Molecular consequence: missense variant.
Genome position (GRCh38, 1-based): chr19:45,352,315, C>A on the plus strand (G>T on the coding strand, the complement: ERCC2 is on the minus strand). VCF-style: chr19-45352315-C-A. GRCh37 (hg19) VCF-style: chr19-45855573-C-A.
Other names: short protein forms R695L.
Identifiers: ClinVar variation 1785616 (VCV001785616.2), dbSNP rs746618110, ClinGen allele CA406362369.

ClinVar aggregate classification (germline): Uncertain significance (1 of 4 stars; one submission).

Conditions:
Inborn genetic diseases. Identifiers: MedGen C0950123, MeSH D030342.

Submission:

Ambry Genetics
Classification: Uncertain significance for Inborn genetic diseases. Last evaluated: 2022-09-19. Review status: criteria provided, single submitter. Criteria: Ambry Variant Classification Scheme 2023. Collection method: clinical testing. Allele origin: germline.
Comment: The p.R695L variant (also known as c.2084G>T), located in coding exon 22 of the ERCC2 gene, results from a G to T substitution at nucleotide position 2084. The arginine at codon 695 is replaced by leucine, an amino acid with dissimilar properties. This amino acid position is conserved. In addition, the in silico prediction for this alteration is inconclusive. Since supporting evidence is limited at this time, the clinical significance of this alteration remains unclear.